The following is an entry in ClinVar:

ClinVar aggregate classification (germline): Conflicting classifications of pathogenicity. Review status: criteria provided, conflicting classifications (1 of 4 stars). 6 submissions from 6 submitters: Uncertain significance (4); Likely benign (1). 1 of the submissions does not count toward it. Last evaluated 2026-07-16.

Conditions:
Cardiovascular phenotype. Identifiers: MedGen CN230736.
Alstrom syndrome (ALMS). Identifiers: Orphanet 64, MedGen C0268425, MONDO:0008763, OMIM 203800.

Allele frequency attached by ClinVar (database versions not stated): gnomAD exomes 0.00001 and 0.00003; ExAC 0.00002; gnomAD 0.00002; TOPMed 0.00002.
gnomAD v4.1: 20 of 1,613,358 alleles (0.0012%); highest among the groups gnomAD compares: Admixed American, 0.01%; no homozygotes.

Submissions (6):

Ambry Genetics
Classification: Likely benign for Cardiovascular phenotype. Last evaluated: 2026-07-16. Review status: criteria provided, single submitter. Criteria: Ambry Variant Classification Scheme 2023. Collection method: clinical testing. Allele origin: germline.

Labcorp Genetics (formerly Invitae), Labcorp
Classification: Uncertain significance for Alstrom syndrome. Last evaluated: 2022-10-20. Review status: criteria provided, single submitter. Criteria: Invitae Variant Classification Sherloc (09022015). Collection method: clinical testing. Allele origin: germline.
Comment: This sequence change replaces serine, which is neutral and polar, with threonine, which is neutral and polar, at codon 1295 of the ALMS1 protein (p.Ser1295Thr). This variant is present in population databases (rs373835067, gnomAD 0.006%). This variant has not been reported in the literature in individuals affected with ALMS1-related conditions. ClinVar contains an entry for this variant (Variation ID: 529370). Experimental studies and prediction algorithms are not available or were not evaluated, and the functional significance of this variant is currently unknown. In summary, the available evidence is currently insufficient to determine the role of this variant in disease. Therefore, it has been classified as a Variant of Uncertain Significance.

Fulgent Genetics
Classification: Uncertain significance for Alstrom syndrome. Last evaluated: 2022-05-05. Review status: criteria provided, single submitter. Criteria: ACMG Guidelines, 2015. Collection method: clinical testing. Allele origin: unknown.

GeneDx
Classification: Uncertain significance. Last evaluated: 2020-03-04. Review status: criteria provided, single submitter. Criteria: GeneDx Variant Classification Process June 2021. Collection method: clinical testing. Allele origin: germline. Affected: yes.
Comment: Not observed at a significant frequency in large population cohorts (Lek et al., 2016); In silico analysis supports that this missense variant does not alter protein structure/function; Has not been previously published as pathogenic or benign to our knowledge

Laboratory for Molecular Medicine, Mass General Brigham Personalized Medicine
Classification: Uncertain significance. Last evaluated: 2019-02-26. Review status: criteria provided, single submitter. Criteria: LMM Criteria. Collection method: clinical testing. Allele origin: germline. Observed: 1 variant allele.
Comment: The p.Ser1295Thr variant in ALMS1 has not been previously reported in individuals with Alstrom syndrome, but has been identified in 0.005% (2/34500) of Latino chromosomes by gnomAD. This variant has also been reported in ClinVar (Variation ID: 529370). Computational prediction tools and conservation analysis suggest that this variant may not impact the protein, though this information is not predictive enough to rule out pathogenicity. In summary, the clinical significance of the p.Ser1295Thr variant is uncertain. ACMG/AMP Criteria applied: PM2, BP4.

Natera, Inc.
Classification: Uncertain significance for Alstrom syndrome. Last evaluated: 2021-09-25. Review status: no assertion criteria provided. Collection method: clinical testing. Allele origin: germline. Not counted in ClinVar's aggregate classification.

NM_001378454.1(ALMS1):c.3881G>C (p.Ser1294Thr)

Gene: ALMS1 (ALMS1 centrosome and basal body associated protein; plus strand). Cytogenetic location: 2p13.1.
Variant type: single nucleotide variant.
Coding change: c.3881G>C on transcript NM_001378454.1 (MANE Select); coding-DNA position 3881, G replaced by C.
Protein change: p.Ser1294Thr; replaces serine 1294 with threonine.
Molecular consequence: missense variant.
Genome position (GRCh38, 1-based): chr2:73,450,408, G>C. VCF-style: chr2-73450408-G-C. GRCh37 (hg19) VCF-style: chr2-73677535-G-C.
Other names: c.3878G>C (NM_015120.4); c.3884G>C, p.Ser1295Thr (NM_015120.4); short protein forms S1295T, S1294T.
Identifiers: ClinVar variation 529370 (VCV000529370.17), dbSNP rs373835067, ClinGen allele CA1713605.